The following is an entry in ClinVar:

NM_000179.3(MSH6):c.3870_3871del (p.Lys1291fs)

Gene: MSH6 (mutS homolog 6; plus strand). Cytogenetic location: 2p16.3.
Variant type: Deletion.
Coding change: c.3870_3871del on transcript NM_000179.3 (MANE Select); coding-DNA positions 3870 to 3871, 2 bases deleted (TA; older notation c.3870_3871delTA).
Protein change: p.Lys1291fs; shifts the reading frame from lysine 1291.
Molecular consequence: frameshift variant. On other transcripts: nonsense (1), non-coding transcript variant (5), intron variant (1).
Genome position (GRCh38, 1-based): chr2:47,806,520-47,806,521, TA deleted. VCF-style (leftmost placement, unchanged base first): chr2-47806519-TTA-T. GRCh37 (hg19) VCF-style: chr2-48033658-TTA-T.
Other names: c.3480_3481del, p.Lys1161fs (NM_001281492.2); c.2964_2965del, p.Lys989fs (NM_001281493.2, NM_001281494.2, NM_001406811.1 and 6 more transcripts); c.3966_3967del, p.Lys1323fs (NM_001406795.1); c.3870_3871del, p.Lys1291fs (NM_001406796.1, NM_001406808.1, NM_001406809.1); c.3573_3574del, p.Lys1192fs (NM_001406797.1, NM_001406801.1, NM_001406805.1 and 10 more transcripts); c.3696_3697del, p.Lys1233fs (NM_001406798.1); c.3345_3346del, p.Lys1116fs (NM_001406799.1, NM_001406806.1, NM_001406807.1); c.3857_3858del, p.Ser1285_Leu1286insTer (NM_001406800.1); and 9 more; short protein forms K1003fs, K1116fs, K1161fs, K1192fs, K1233fs, K1235fs, K1265fs, K1291fs.
Identifiers: ClinVar variation 2673608 (VCV002673608.1), dbSNP rs2530863553, ClinGen allele CA2695200641.

ClinVar aggregate classification (germline): Pathogenic (1 of 4 stars; one submission).

Conditions:
Lynch syndrome 5 (LYNCH5). Also called: Colorectal cancer, hereditary nonpolyposis, type 5; Hereditary non-polyposis colorectal cancer, type 5. Identifiers: Orphanet 144, MedGen C1833477, MONDO:0013710, OMIM 614350. Disease mechanism: loss of function.

Submission:

Myriad Genetics, Inc.
Classification: Pathogenic for Lynch syndrome 5. Last evaluated: 2023-08-28. Review status: criteria provided, single submitter. Criteria: Myriad Autosomal Dominant, Autosomal Recessive and X-Linked Classification Criteria (2023). Collection method: clinical testing. Allele origin: unknown.
Comment: This variant is considered pathogenic. This variant creates a frameshift predicted to result in premature protein truncation.